The following is an entry in ClinVar:

ClinVar aggregate classification (germline): Likely benign (0 of 4 stars; one submission).

Conditions:
UBR4-related disorder. Also called: UBR4-related condition.

Allele frequency attached by ClinVar (database versions not stated): ExAC 0.00002.
gnomAD v4.1: 19 of 1,598,518 alleles (0.0012%); highest among the groups gnomAD compares: Admixed American, 0.012%; no homozygotes.

Submission:

PreventionGenetics, part of Exact Sciences
Classification: Likely benign for UBR4-related condition. Last evaluated: 2019-09-26. Review status: no assertion criteria provided. Collection method: clinical testing. Allele origin: germline.
Comment: This variant is classified as likely benign based on ACMG/AMP sequence variant interpretation guidelines (Richards et al. 2015 PMID: 25741868, with internal and published modifications).

NM_020765.3(UBR4):c.7638C>T (p.Ala2546=)

Gene: UBR4 (ubiquitin protein ligase E3 component n-recognin 4; minus strand). Cytogenetic location: 1p36.13.
Variant type: single nucleotide variant.
Coding change: c.7638C>T on transcript NM_020765.3 (MANE Select); coding-DNA position 7638, C replaced by T.
Protein change: p.Ala2546=; no amino-acid change (alanine 2546 retained).
Molecular consequence: synonymous variant.
Genome position (GRCh38, 1-based): chr1:19,146,992, G>A on the plus strand (C>T on the coding strand, the complement: UBR4 is on the minus strand). VCF-style: chr1-19146992-G-A. GRCh37 (hg19) VCF-style: chr1-19473486-G-A.
Identifiers: ClinVar variation 3040677 (VCV003040677.2), dbSNP rs541537239, ClinGen allele CA649971.